The following is an entry in ClinVar:

ClinVar aggregate classification (germline): Uncertain significance. Review status: criteria provided, multiple submitters, no conflicts (2 of 4 stars). 2 submissions from 2 submitters: Uncertain significance (2). Last evaluated 2025-03-07.

Allele frequency attached by ClinVar (database versions not stated): gnomAD exomes below 0.00001.
gnomAD v4.1: 3 of 1,605,594 alleles (0.00019%); highest among the groups gnomAD compares: Non-Finnish European, 0.00017%; no homozygotes.

Submissions (2):

Labcorp Genetics (formerly Invitae), Labcorp
Classification: Uncertain significance. Last evaluated: 2025-03-07. Review status: criteria provided, single submitter. Criteria: Invitae Variant Classification Sherloc (09022015). Collection method: clinical testing. Allele origin: germline.
Comment: This sequence change replaces arginine, which is basic and polar, with serine, which is neutral and polar, at codon 448 of the PLEKHM2 protein (p.Arg448Ser). This variant is not present in population databases (gnomAD no frequency). This variant has not been reported in the literature in individuals affected with PLEKHM2-related conditions. ClinVar contains an entry for this variant (Variation ID: 2274052). An algorithm developed to predict the effect of missense changes on protein structure and function (PolyPhen-2) suggests that this variant is likely to be tolerated. In summary, the available evidence is currently insufficient to determine the role of this variant in disease. Therefore, it has been classified as a Variant of Uncertain Significance.

Ambry Genetics
Classification: Uncertain significance. Last evaluated: 2022-01-27. Review status: criteria provided, single submitter. Criteria: Ambry Variant Classification Scheme 2023. Collection method: clinical testing. Allele origin: germline.

NM_015164.4(PLEKHM2):c.1344G>T (p.Arg448Ser)

Gene: PLEKHM2 (pleckstrin homology and RUN domain containing M2; plus strand). Cytogenetic location: 1p36.21.
Variant type: single nucleotide variant.
Coding change: c.1344G>T on transcript NM_015164.4 (MANE Select); coding-DNA position 1344, G replaced by T.
Protein change: p.Arg448Ser; replaces arginine 448 with serine.
Molecular consequence: missense variant.
Genome position (GRCh38, 1-based): chr1:15,727,416, G>T. VCF-style: chr1-15727416-G-T. GRCh37 (hg19) VCF-style: chr1-16053911-G-T.
Other names: c.1284G>T, p.Arg428Ser (NM_001410755.1); short protein forms R428S, R448S.
Identifiers: ClinVar variation 2274052 (VCV002274052.5), dbSNP rs1381627517, ClinGen allele CA338586767.
Genomic context (GRCh38, chr1:15,727,416, plus strand): 5'-CCGTGCTGAGCCCCCAGACCAGTCCTTTCGGACCGGCTCTCCCGGGGATGCCCCGGAGAG[G>T]CCGCCGCTTTGCGACTTTAGTGAGGGGCTTTCAGCCCCAATGGACTTCTACCGCTTTACC-3'
Protein context (NP_055979.2, residues 438-458): RTGSPGDAPE[Arg448Ser]PPLCDFSEGL